The following is an entry in ClinVar:

ClinVar aggregate classification (germline): Pathogenic (1 of 4 stars; one submission).

Conditions:
Nemaline myopathy 2 (NEM2). Also called: Nemaline myopathy 2, autosomal recessive. Identifiers: MedGen C1850569, MONDO:0009725, OMIM 256030.

Submission:

Labcorp Genetics (formerly Invitae), Labcorp
Classification: Pathogenic for Nemaline myopathy 2. Last evaluated: 2022-02-21. Review status: criteria provided, single submitter. Criteria: Invitae Variant Classification Sherloc (09022015). Collection method: clinical testing. Allele origin: germline.
Comment: This variant has not been reported in the literature in individuals affected with NEB-related conditions. This sequence change creates a premature translational stop signal (p.Ser8398*) in the NEB gene. It is expected to result in an absent or disrupted protein product. Loss-of-function variants in NEB are known to be pathogenic (PMID: 25205138). This variant is not present in population databases (gnomAD no frequency). Algorithms developed to predict the effect of sequence changes on RNA splicing suggest that this variant may disrupt the consensus splice site. For these reasons, this variant has been classified as Pathogenic.

Literature cited by the submitters: PubMed 25205138.

NM_001164508.2(NEB):c.25088C>A (p.Ser8363Ter)

Genes: NEB (nebulin; minus strand), RIF1 (replication timing regulatory factor 1; plus strand). Cytogenetic location: 2q23.3.
Variant type: single nucleotide variant.
Coding change: c.25088C>A on transcript NM_001164508.2 (MANE Select); coding-DNA position 25088, C replaced by A.
Protein change: p.Ser8363Ter; replaces serine 8363 with a stop codon.
Molecular consequence: nonsense.
Genome position (GRCh38, 1-based): chr2:151,491,745, G>T on the plus strand (C>A on the coding strand, the complement: NEB is on the minus strand). VCF-style: chr2-151491745-G-T. GRCh37 (hg19) VCF-style: chr2-152348259-G-T.
Other names: c.25088C>A, p.Ser8363Ter (NM_001164507.2); c.25193C>A, p.Ser8398Ter (NM_001271208.2); c.19520C>A, p.Ser6507Ter (NM_004543.5); short protein forms S6507*, S8363*, S8398*.
Identifiers: ClinVar variation 2100953 (VCV002100953.4), dbSNP rs755009242, ClinGen allele CA348771814.